The following is an entry in ClinVar:

ClinVar aggregate classification (germline): Uncertain significance (1 of 4 stars; one submission).

Submission:

Labcorp Genetics (formerly Invitae), Labcorp
Classification: Uncertain significance. Last evaluated: 2022-11-22. Review status: criteria provided, single submitter. Criteria: Invitae Variant Classification Sherloc (09022015). Collection method: clinical testing. Allele origin: germline.
Comment: In summary, the available evidence is currently insufficient to determine the role of this variant in disease. Therefore, it has been classified as a Variant of Uncertain Significance. Algorithms developed to predict the effect of missense changes on protein structure and function (SIFT, PolyPhen-2, Align-GVGD) all suggest that this variant is likely to be tolerated. ClinVar contains an entry for this variant (Variation ID: 1345769). This variant has not been reported in the literature in individuals affected with SBF1-related conditions. This variant is not present in population databases (gnomAD no frequency). This sequence change replaces glutamine, which is neutral and polar, with proline, which is neutral and non-polar, at codon 1767 of the SBF1 protein (p.Gln1767Pro).

NM_002972.4(SBF1):c.5300A>C (p.Gln1767Pro)

Gene: SBF1 (SET binding factor 1; minus strand). Cytogenetic location: 22q13.33.
Variant type: single nucleotide variant.
Coding change: c.5300A>C on transcript NM_002972.4 (MANE Select); coding-DNA position 5300, A replaced by C.
Protein change: p.Gln1767Pro; replaces glutamine 1767 with proline.
Molecular consequence: missense variant.
Genome position (GRCh38, 1-based): chr22:50,448,296, T>G on the plus strand (A>C on the coding strand, the complement: SBF1 is on the minus strand). VCF-style: chr22-50448296-T-G. GRCh37 (hg19) VCF-style: chr22-50886725-T-G.
Other names: c.5225A>C, p.Gln1742Pro (NM_001365819.1); short protein forms Q1767P, Q1742P.
Identifiers: ClinVar variation 1345769 (VCV001345769.8), dbSNP rs2148552252, ClinGen allele CA412186616.
Genomic context (GRCh38, chr22:50,448,296, plus strand): 5'-TTCTCACTCTCTGCTGTCTGGAACTGGCTGTACAGGGTGCTGGTGCTGCGGCGGGCAGCC[T>G]GACGGGAGCCGGATGTGGTTGAGCCACTACTCTGGTCGCTGTCCAGGCTGAGGCTCAGGG-3'
Protein context (NP_002963.2, residues 1757-1777): SSGSTTSGSR[Gln1767Pro]AARRSTSTLY